The following is an entry in ClinVar:

ClinVar aggregate classification (germline): Uncertain significance. Review status: criteria provided, multiple submitters, no conflicts (2 of 4 stars). 2 submissions from 2 submitters: Uncertain significance (2). Last evaluated 2025-11-18.

Conditions:
Hereditary cancer-predisposing syndrome. Also called: Tumor predisposition; Hereditary Cancer Syndrome; Hereditary neoplastic syndrome; Neoplastic Syndromes, Hereditary. Identifiers: Orphanet 140162, MedGen C0027672, MeSH D009386, MONDO:0015356.
Neuroblastoma, susceptibility to, 2. Identifiers: Orphanet 635, MedGen C2751682, MONDO:0700041, OMIM 613013.

Allele frequency attached by ClinVar (database versions not stated): gnomAD exomes below 0.00001.

Submissions (2):

Ambry Genetics
Classification: Uncertain significance for Hereditary cancer-predisposing syndrome. Last evaluated: 2025-11-18. Review status: criteria provided, single submitter. Criteria: Ambry Variant Classification Scheme 2023. Collection method: clinical testing. Allele origin: germline.
Comment: The p.A248T variant (also known as c.742G>A), located in coding exon 3 of the PHOX2B gene, results from a G to A substitution at nucleotide position 742. The alanine at codon 248 is replaced by threonine, an amino acid with similar properties. This amino acid position is conserved. In addition, this alteration is predicted to be tolerated by in silico analysis. Since supporting evidence is limited at this time, the clinical significance of this alteration remains unclear.

Baylor Genetics
Classification: Uncertain significance for Neuroblastoma, susceptibility to, 2. Last evaluated: 2023-05-21. Review status: criteria provided, single submitter. Criteria: ACMG Guidelines, 2015. Collection method: clinical testing. Allele origin: unknown.

NM_003924.4(PHOX2B):c.742G>A (p.Ala248Thr)

Genes: PHOX2B (paired like homeobox 2B; minus strand), LOC110011216 (paired like homeobox 2b polyalanine repeat instability region; plus strand). Cytogenetic location: 4p13.
Variant type: single nucleotide variant.
Coding change: c.742G>A on transcript NM_003924.4 (MANE Select); coding-DNA position 742, G replaced by A.
Protein change: p.Ala248Thr; replaces alanine 248 with threonine.
Molecular consequence: missense variant.
Genome position (GRCh38, 1-based): chr4:41,746,010, C>T on the plus strand (G>A on the coding strand, the complement: PHOX2B is on the minus strand). VCF-style: chr4-41746010-C-T. GRCh37 (hg19) VCF-style: chr4-41748027-C-T.
Other names: short protein forms A248T.
Identifiers: ClinVar variation 2621280 (VCV002621280.4), dbSNP rs2552096818, ClinGen allele CA356737219.